The following is an entry in ClinVar:

ClinVar aggregate classification (germline): Uncertain significance (1 of 4 stars; one submission).

Conditions:
MEGF10-related myopathy (CMYO10A). Also called: Congenital myopathy 10A, severe variant. Identifiers: Orphanet 439212, MedGen C3280679, MONDO:0013731, OMIM 614399.

Allele frequency attached by ClinVar (database versions not stated): gnomAD exomes below 0.00001; ExAC 0.00001.
gnomAD v4.1: 5 of 1,614,148 alleles (0.00031%); highest among the groups gnomAD compares: Non-Finnish European, 0.00042%; no homozygotes.

Submission:

Labcorp Genetics (formerly Invitae), Labcorp
Classification: Uncertain significance for MEGF10-related myopathy. Last evaluated: 2022-07-23. Review status: criteria provided, single submitter. Criteria: Invitae Variant Classification Sherloc (09022015). Collection method: clinical testing. Allele origin: germline.
Comment: This sequence change replaces histidine, which is basic and polar, with glutamine, which is neutral and polar, at codon 230 of the MEGF10 protein (p.His230Gln). This variant is present in population databases (rs759001222, gnomAD 0.0009%). This variant has not been reported in the literature in individuals affected with MEGF10-related conditions. Algorithms developed to predict the effect of missense changes on protein structure and function are either unavailable or do not agree on the potential impact of this missense change (SIFT: "Deleterious"; PolyPhen-2: "Benign"; Align-GVGD: "Class C15"). In summary, the available evidence is currently insufficient to determine the role of this variant in disease. Therefore, it has been classified as a Variant of Uncertain Significance.

NM_001256545.2(MEGF10):c.690T>A (p.His230Gln)

Gene: MEGF10 (multiple EGF like domains 10; plus strand). Cytogenetic location: 5q23.2.
Variant type: single nucleotide variant.
Coding change: c.690T>A on transcript NM_001256545.2 (MANE Select); coding-DNA position 690, T replaced by A.
Protein change: p.His230Gln; replaces histidine 230 with glutamine.
Molecular consequence: missense variant.
Genome position (GRCh38, 1-based): chr5:127,398,706, T>A. VCF-style: chr5-127398706-T-A. GRCh37 (hg19) VCF-style: chr5-126734398-T-A.
Other names: c.690T>A, p.His230Gln (NM_001308119.2, NM_001308121.2, NM_032446.3); short protein forms H230Q.
Identifiers: ClinVar variation 2157741 (VCV002157741.1), dbSNP rs759001222, ClinGen allele CA3391384.